The following is an entry in ClinVar:

NM_002907.4(RECQL):c.1939G>A (p.Asp647Asn)

Genes: PYROXD1 (pyridine nucleotide-disulphide oxidoreductase domain 1; plus strand), RECQL (RecQ like helicase; minus strand). Cytogenetic location: 12p12.1.
Variant type: single nucleotide variant.
Coding change: c.1939G>A on transcript NM_002907.4 (MANE Select); coding-DNA position 1939, G replaced by A.
Protein change: p.Asp647Asn; replaces aspartic acid 647 with asparagine.
Molecular consequence: missense variant. On other transcripts: 3 prime UTR variant (3).
Genome position (GRCh38, 1-based): chr12:21,470,205, C>T on the plus strand (G>A on the coding strand, the complement: RECQL is on the minus strand). VCF-style: chr12-21470205-C-T. GRCh37 (hg19) VCF-style: chr12-21623139-C-T.
Other names: c.1939G>A, p.Asp647Asn (NM_032941.3); c.*1451C>T (NM_001350912.2, NM_001350913.2, NM_024854.5); short protein forms D647N.
Identifiers: ClinVar variation 1011683 (VCV001011683.10), dbSNP rs762901544, ClinGen allele CA6478581.

ClinVar aggregate classification (germline): Uncertain significance. Review status: criteria provided, multiple submitters, no conflicts (2 of 4 stars). 3 submissions from 3 submitters: Uncertain significance (3). Last evaluated 2025-09-15.

Conditions:
RECON progeroid syndrome (RECON). Identifiers: MedGen C5830504, MONDO:0957266, OMIM 620370.

Allele frequency attached by ClinVar (database versions not stated): ExAC 0.00001; gnomAD 0.00001; gnomAD exomes 0.00001 and 0.00003; TOPMed 0.00002.
gnomAD v4.1: 46 of 1,611,522 alleles (0.0029%); highest among the groups gnomAD compares: East Asian, 0.096%; no homozygotes.

Submissions (3):

Labcorp Genetics (formerly Invitae), Labcorp
Classification: Uncertain significance. Last evaluated: 2025-09-15. Review status: criteria provided, single submitter. Criteria: Invitae Variant Classification Sherloc (09022015). Collection method: clinical testing. Allele origin: germline.
Comment: This sequence change replaces aspartic acid, which is acidic and polar, with asparagine, which is neutral and polar, at codon 647 of the RECQL protein (p.Asp647Asn). This variant is present in population databases (rs762901544, gnomAD 0.01%). This variant has not been reported in the literature in individuals affected with RECQL-related conditions. ClinVar contains an entry for this variant (Variation ID: 1011683). An algorithm developed to predict the effect of missense changes on protein structure and function (PolyPhen-2) suggests that this variant is likely to be tolerated. In summary, the available evidence is currently insufficient to determine the role of this variant in disease. Therefore, it has been classified as a Variant of Uncertain Significance.

Fulgent Genetics
Classification: Uncertain significance for RECON progeroid syndrome. Last evaluated: 2024-06-20. Review status: criteria provided, single submitter. Criteria: ACMG Guidelines, 2015. Collection method: clinical testing. Allele origin: germline.

Quest Diagnostics Nichols Institute San Juan Capistrano
Classification: Uncertain significance. Last evaluated: 2023-04-05. Review status: criteria provided, single submitter. Criteria: Quest Diagnostics criteria. Collection method: clinical testing. Allele origin: unknown.
Comment: The frequency of this variant in the general population, 0.000008 (2/250076 chromosomes), is uninformative in assessment of its pathogenicity. In the published literature, the variant was found both in individuals with breast cancer as well as unaffected individuals in a large breast cancer association study (PMID: 33471991 (2021), see also LOVD. Analysis of this variant using bioinformatics tools for the prediction of the effect of amino acid changes on protein structure and function yielded predictions that this variant is benign. Based on the available information, we are unable to determine the clinical significance of this variant.

Literature cited by the submitters: PubMed 33471991 (cited by Quest Diagnostics Nichols Institute San Juan Capistrano).